The following is an entry in ClinVar:

ClinVar aggregate classification (germline): Uncertain significance (1 of 4 stars; one submission).

Conditions:
Charcot-Marie-Tooth disease axonal type 2F (CMT2F). Also called: CHARCOT-MARIE-TOOTH DISEASE, NEURONAL, TYPE 2F; Charcot-Marie-Tooth Neuropathy Type 2F. Identifiers: Orphanet 99940, MedGen C1847823, MONDO:0011687, OMIM 606595.

Submission:

Labcorp Genetics (formerly Invitae), Labcorp
Classification: Uncertain significance for Charcot-Marie-Tooth disease axonal type 2F. Last evaluated: 2022-07-26. Review status: criteria provided, single submitter. Criteria: Invitae Variant Classification Sherloc (09022015). Collection method: clinical testing. Allele origin: germline.
Comment: This variant has not been reported in the literature in individuals affected with HSPB1-related conditions. Experimental studies and prediction algorithms are not available or were not evaluated, and the functional significance of this variant is currently unknown. In summary, the available evidence is currently insufficient to determine the role of this variant in disease. Therefore, it has been classified as a Variant of Uncertain Significance. This variant results in the deletion of exons 2-3 and part of exon 1 (c.339_*549del) of the HSPB1 gene. While this deletion is not anticipated to lead to nonsense mediated decay, it is expected to alter mRNA translation or result in a truncated protein product.

NC_000007.13:g.(?_75932366)_(75934037_?)del

Gene: HSPB1 (heat shock protein family B (small) member 1; plus strand). Cytogenetic location: 7q11.23.
Variant type: Deletion.
Identifiers: ClinVar variation 2424195 (VCV002424195.4).